The following is an entry in ClinVar:

ClinVar aggregate classification (germline): Conflicting classifications of pathogenicity. Review status: criteria provided, conflicting classifications (1 of 4 stars). 3 submissions from 3 submitters: Uncertain significance (2); Likely benign (1). Last evaluated 2025-09-08.

Conditions:
Inborn genetic diseases. Identifiers: MedGen C0950123, MeSH D030342.

Allele frequency attached by ClinVar (database versions not stated): gnomAD exomes 0.00007 and 0.00017; ExAC 0.00017; 1000 Genomes Project 30x 0.00031; 1000 Genomes Project 0.00040; gnomAD 0.00054 and 0.00058; ESP Exome Variant Server 0.00058; TOPMed 0.00062.
gnomAD v4.1: 194 of 1,613,340 alleles (0.012%); highest among the groups gnomAD compares: African/African-American, 0.22%; no homozygotes.

Submissions (3):

Women's Health and Genetics/Laboratory Corporation of America, LabCorp
Classification: Uncertain significance. Last evaluated: 2025-09-08. Review status: criteria provided, single submitter. Criteria: LabCorp Variant Classification Summary - May 2015. Collection method: clinical testing. Allele origin: germline.
Comment: Variant summary: PCLO c.12058A>G (p.Ser4020Gly) results in a non-conservative amino acid change in the encoded protein sequence. Algorithms developed to predict the effect of missense changes on protein structure and function are either unavailable or do not agree on the potential impact of this missense change. The variant allele was found at a frequency of 0.00017 in 248038 control chromosomes. This frequency is not significantly higher than estimated for disease-causing variants in PCLO, allowing no conclusion about variant significance. To our knowledge, no occurrence of c.12058A>G in individuals affected with PCLO-related conditions and no experimental evidence demonstrating its impact on protein function have been reported. ClinVar contains an entry for this variant (Variation ID: 1358805). Based on the evidence outlined above, the variant was classified as uncertain significance.

Labcorp Genetics (formerly Invitae), Labcorp
Classification: Uncertain significance. Last evaluated: 2024-12-02. Review status: criteria provided, single submitter. Criteria: Invitae Variant Classification Sherloc (09022015). Collection method: clinical testing. Allele origin: germline.
Comment: This sequence change replaces serine, which is neutral and polar, with glycine, which is neutral and non-polar, at codon 4020 of the PCLO protein (p.Ser4020Gly). This variant is present in population databases (rs201095081, gnomAD 0.2%). This variant has not been reported in the literature in individuals affected with PCLO-related conditions. ClinVar contains an entry for this variant (Variation ID: 1358805). An algorithm developed to predict the effect of missense changes on protein structure and function outputs the following: PolyPhen-2: "Not Available". The glycine amino acid residue is found in multiple mammalian species, which suggests that this missense change does not adversely affect protein function. In summary, the available evidence is currently insufficient to determine the role of this variant in disease. Therefore, it has been classified as a Variant of Uncertain Significance.

Ambry Genetics
Classification: Likely benign for Inborn genetic diseases. Last evaluated: 2024-09-11. Review status: criteria provided, single submitter. Criteria: Ambry Variant Classification Scheme 2023. Collection method: clinical testing. Allele origin: germline.

NM_033026.6(PCLO):c.12058A>G (p.Ser4020Gly)

Gene: PCLO (piccolo presynaptic cytomatrix protein; minus strand). Cytogenetic location: 7q21.11.
Variant type: single nucleotide variant.
Coding change: c.12058A>G on transcript NM_033026.6 (MANE Select); coding-DNA position 12058, A replaced by G.
Protein change: p.Ser4020Gly; replaces serine 4020 with glycine.
Molecular consequence: missense variant.
Genome position (GRCh38, 1-based): chr7:82,915,928, T>C on the plus strand (A>G on the coding strand, the complement: PCLO is on the minus strand). VCF-style: chr7-82915928-T-C. GRCh37 (hg19) VCF-style: chr7-82545244-T-C.
Other names: c.12058A>G (NM_033026.5); c.12058A>G, p.Ser4020Gly (NM_014510.3); short protein forms S4020G.
Identifiers: ClinVar variation 1358805 (VCV001358805.6), dbSNP rs201095081, ClinGen allele CA4319448.